The following is an entry in ClinVar:

NM_001127222.2(CACNA1A):c.3979_3983delinsCCACTTCACTTA (p.Phe1327fs)

Genes: CACNA1A (calcium voltage-gated channel subunit alpha1 A; minus strand), LOC126862865 (CDK7 strongly-dependent group 2 enhancer GRCh37_chr19:13385818-13387017; plus strand). Cytogenetic location: 19p13.13.
Variant type: Indel.
Coding change: c.3979_3983delinsCCACTTCACTTA on transcript NM_001127222.2 (MANE Select); coding-DNA positions 3979 to 3983, TTTGC replaced by CCACTTCACTTA.
Protein change: p.Phe1327fs; shifts the reading frame from phenylalanine 1327.
Molecular consequence: frameshift variant.
Genome position (GRCh38, 1-based): chr19:13,275,856-13,275,860, GCAAA replaced by TAAGTGAAGTGG on the plus strand (TTTGC replaced by CCACTTCACTTA on the coding strand, the reverse complement: CACNA1A is on the minus strand). VCF-style: chr19-13275856-GCAAA-TAAGTGAAGTGG. GRCh37 (hg19) VCF-style: chr19-13386670-GCAAA-TAAGTGAAGTGG.
Other names: c.3991_3995delinsCCACTTCACTTA, p.Phe1331fs (NM_000068.4, NM_023035.3); c.3982_3986delinsCCACTTCACTTA, p.Phe1328fs (NM_001127221.2, NM_001174080.2); short protein forms F1327fs, F1328fs, F1331fs.
Identifiers: ClinVar variation 1736709 (VCV001736709.2), dbSNP rs2512810683, ClinGen allele CA2580096569.

ClinVar aggregate classification (germline): Pathogenic (1 of 4 stars; one submission).

Conditions:
Inborn genetic diseases. Identifiers: MedGen C0950123, MeSH D030342.

Submission:

Ambry Genetics
Classification: Pathogenic for Inborn genetic diseases. Last evaluated: 2017-12-18. Review status: criteria provided, single submitter. Criteria: Ambry Variant Classification Scheme 2023. Collection method: clinical testing. Allele origin: germline.
Comment: The c.3982_3986delinsCCACTTCACTTA variant, located in coding exon 24 of the CACNA1A gene, results from the deletion of 5 nucleotides and insertion of 12 nucleotides causing a translational frameshift with a predicted alternate stop codon (p.F1328Pfs*9). This alteration is expected to result in loss of function by premature protein truncation or nonsense-mediated mRNA decay. As such, this alteration is interpreted as a disease-causing mutation.